The following is an entry in ClinVar:

NM_015166.4(MLC1):c.359C>T (p.Ala120Val)

Gene: MLC1 (modulator of VRAC current 1; minus strand). Cytogenetic location: 22q13.33.
Variant type: single nucleotide variant.
Coding change: c.359C>T on transcript NM_015166.4 (MANE Select); coding-DNA position 359, C replaced by T.
Protein change: p.Ala120Val; replaces alanine 120 with valine.
Molecular consequence: missense variant. On other transcripts: non-coding transcript variant (3), intron variant (3).
Genome position (GRCh38, 1-based): chr22:50,079,982, G>A on the plus strand (C>T on the coding strand, the complement: MLC1 is on the minus strand). VCF-style: chr22-50079982-G-A. GRCh37 (hg19) VCF-style: chr22-50518411-G-A.
Other names: c.359C>T (NM_015166.3); c.359C>T, p.Ala120Val (NM_001376472.1, NM_001376473.1, NM_001376474.1 and 6 more transcripts); c.269C>T, p.Ala90Val (NM_001376480.1); c.122C>T, p.Ala41Val (NM_001376484.1); c.268-2480C>T (NM_001376482.1, NM_001376483.1); c.321+362C>T (NM_001376481.1); short protein forms A41V, A120V, A90V.
Identifiers: ClinVar variation 2737054 (VCV002737054.7), dbSNP rs865879286, ClinGen allele CA412110701.

ClinVar aggregate classification (germline): Pathogenic/Likely pathogenic. Review status: criteria provided, multiple submitters, no conflicts (2 of 4 stars). 3 submissions from 3 submitters: Pathogenic (1); Likely pathogenic (2). Last evaluated 2025-10-16.

Conditions:
Megalencephalic leukoencephalopathy with subcortical cysts. Also called: VAN DER KNAAP DISEASE. Identifiers: Orphanet 2478, MedGen C1858854, MONDO:0011391.

Submissions (3):

Women's Health and Genetics/Laboratory Corporation of America, LabCorp
Classification: Likely pathogenic for Megalencephalic leukoencephalopathy with subcortical cysts. Last evaluated: 2025-10-16. Review status: criteria provided, single submitter. Criteria: LabCorp Variant Classification Summary - May 2015. Collection method: clinical testing. Allele origin: germline.
Comment: Variant summary: MLC1 c.359C>T (p.Ala120Val) results in a non-conservative amino acid change in the encoded protein sequence. Algorithms developed to predict the effect of missense changes on protein structure and function all suggest that this variant is likely to be disruptive. The variant was absent in 251486 control chromosomes. c.359C>T has been observed in the presumed compound heterozygous state in at least 2 individual(s) affected with Megalencephalic Leukoencephalopathy With Subcortical Cysts 1 (example, Yuzbasioglu_2011). These data indicate that the variant may be associated with disease. To our knowledge, no experimental evidence demonstrating an impact on protein function has been reported. The following publications have been ascertained in the context of this evaluation (PMID: 21145992, 38487253, 23079554, 34918859). ClinVar contains an entry for this variant (Variation ID: 2737054). Based on the evidence outlined above, the variant was classified as likely pathogenic.

Natera, Inc.
Classification: Likely pathogenic for Megalencephalic leukoencephalopathy with subcortical cysts. Last evaluated: 2024-05-29. Review status: criteria provided, single submitter. Criteria: Natera Variant Classification Schema (03/2026). Collection method: clinical testing. Allele origin: germline.
Comment: The c.359C>T variant in MLC1 is a missense variant predicted to cause substitution of alanine to valine at amino acid 120. This variant is rare in the general population with a frequency below the threshold expected for the associated phenotype(s). This variant has been observed in one or more individuals affected with the associated recessive disease, as either homozygous or compound heterozygous with a second variant (PMID: 21145992). Computational prediction algorithms indicate this variant is likely to affect gene or protein function. Given the available evidence, this variant is classified as Likely Pathogenic.

Labcorp Genetics (formerly Invitae), Labcorp
Classification: Pathogenic. Last evaluated: 2023-07-07. Review status: criteria provided, single submitter. Criteria: Invitae Variant Classification Sherloc (09022015). Collection method: clinical testing. Allele origin: germline.
Comment: This sequence change replaces alanine, which is neutral and non-polar, with valine, which is neutral and non-polar, at codon 120 of the MLC1 protein (p.Ala120Val). This variant is not present in population databases (gnomAD no frequency). This missense change has been observed in individual(s) with megalencephalic leukoencephalopathy with subcortical cysts (PMID: 21145992). In at least one individual the data is consistent with being in trans (on the opposite chromosome) from a pathogenic variant. Advanced modeling of protein sequence and biophysical properties (such as structural, functional, and spatial information, amino acid conservation, physicochemical variation, residue mobility, and thermodynamic stability) performed at Invitae indicates that this missense variant is not expected to disrupt MLC1 protein function. For these reasons, this variant has been classified as Pathogenic.

Literature cited by the submitters: PubMed 23079554 (cited by Women's Health and Genetics/Laboratory Corporation of America, LabCorp); PubMed 34918859 (cited by Women's Health and Genetics/Laboratory Corporation of America, LabCorp); PubMed 21145992 (cited by 3 submitters); PubMed 38487253 (cited by Women's Health and Genetics/Laboratory Corporation of America, LabCorp).